The following is an entry in ClinVar:

ClinVar aggregate classification (germline): Uncertain significance (1 of 4 stars; one submission).

Submission:

GeneDx
Classification: Uncertain significance. Last evaluated: 2024-08-19. Review status: criteria provided, single submitter. Criteria: GeneDx Variant Classification Process June 2021. Collection method: clinical testing. Allele origin: germline. Affected: yes.
Comment: Not observed at significant frequency in large population cohorts (gnomAD); In silico analysis indicates that this missense variant does not alter protein structure/function; Has not been previously published as pathogenic or benign to our knowledge

NM_012398.3(PIP5K1C):c.572T>G (p.Met191Arg)

Gene: PIP5K1C (phosphatidylinositol-4-phosphate 5-kinase type 1 gamma; minus strand). Cytogenetic location: 19p13.3.
Variant type: single nucleotide variant.
Coding change: c.572T>G on transcript NM_012398.3 (MANE Select); coding-DNA position 572, T replaced by G.
Protein change: p.Met191Arg; replaces methionine 191 with arginine.
Molecular consequence: missense variant.
Genome position (GRCh38, 1-based): chr19:3,656,454, A>C on the plus strand (T>G on the coding strand, the complement: PIP5K1C is on the minus strand). VCF-style: chr19-3656454-A-C. GRCh37 (hg19) VCF-style: chr19-3656452-A-C.
Other names: c.572T>G, p.Met191Arg (NM_001195733.2, NM_001300849.2); short protein forms M191R.
Identifiers: ClinVar variation 3764333 (VCV003764333.1).